The following is an entry in ClinVar:

NM_017654.4(SAMD9):c.572T>G (p.Ile191Ser)

Gene: SAMD9 (sterile alpha motif domain containing 9; minus strand). Cytogenetic location: 7q21.2.
Variant type: single nucleotide variant.
Coding change: c.572T>G on transcript NM_017654.4 (MANE Select); coding-DNA position 572, T replaced by G.
Protein change: p.Ile191Ser; replaces isoleucine 191 with serine.
Molecular consequence: missense variant.
Genome position (GRCh38, 1-based): chr7:93,105,526, A>C on the plus strand (T>G on the coding strand, the complement: SAMD9 is on the minus strand). VCF-style: chr7-93105526-A-C. GRCh37 (hg19) VCF-style: chr7-92734839-A-C.
Other names: c.572T>G, p.Ile191Ser (NM_001193307.2); short protein forms I191S.
Identifiers: ClinVar variation 2742053 (VCV002742053.3), dbSNP rs1791623170, ClinGen allele CA368204605.

ClinVar aggregate classification (germline): Uncertain significance (1 of 4 stars; one submission).

gnomAD v4.1: 2 of 1,614,108 alleles (0.00012%); highest among the groups gnomAD compares: South Asian, 0.0022%; no homozygotes.

Submission:

Labcorp Genetics (formerly Invitae), Labcorp
Classification: Uncertain significance. Last evaluated: 2023-01-16. Review status: criteria provided, single submitter. Criteria: Invitae Variant Classification Sherloc (09022015). Collection method: clinical testing. Allele origin: germline.
Comment: This variant is not present in population databases (gnomAD no frequency). This variant has not been reported in the literature in individuals affected with SAMD9-related conditions. Algorithms developed to predict the effect of missense changes on protein structure and function (SIFT, PolyPhen-2, Align-GVGD) all suggest that this variant is likely to be disruptive. In summary, the available evidence is currently insufficient to determine the role of this variant in disease. Therefore, it has been classified as a Variant of Uncertain Significance. This sequence change replaces isoleucine, which is neutral and non-polar, with serine, which is neutral and polar, at codon 191 of the SAMD9 protein (p.Ile191Ser).